The following is an entry in ClinVar:

NC_000007.14:g.(?_74028168)_(74028289_?)del

Gene: ELN (elastin; plus strand). Cytogenetic location: 7q11.23.
Variant type: Deletion.
Identifiers: ClinVar variation 831651 (VCV000831651.5).

ClinVar aggregate classification (germline): Pathogenic (1 of 4 stars; one submission).

Conditions:
Supravalvar aortic stenosis (SVAS). Also called: Supravalvar aortic stenosis, Eisenberg type. Identifiers: Orphanet 3193, MedGen C0003499, MONDO:0008504, OMIM 185500, HP:0004381.

Submission:

Labcorp Genetics (formerly Invitae), Labcorp
Classification: Pathogenic for Supravalvar aortic stenosis. Last evaluated: 2019-06-17. Review status: criteria provided, single submitter. Criteria: Invitae Variant Classification Sherloc (09022015). Collection method: clinical testing. Allele origin: germline.
Comment: For these reasons, this variant has been classified as Pathogenic. Loss-of-function variants in ELN are known to be pathogenic (PMID: 11175284). This variant has not been reported in the literature in individuals with ELN-related conditions. This variant is a gross deletion of the genomic region encompassing exon 1 of the ELN gene, which includes the initiator codon. The 5' end of this event is unknown as it extends beyond the assayed region for this gene and therefore may encompass additional genes. The 3' boundary is likely confined to intron 1 of the ELN gene. This is expected to result in an absent or disrupted protein product.

Literature cited by the submitters: PubMed 11175284.